The following is an entry in ClinVar:

ClinVar aggregate classification (germline): Pathogenic/Likely pathogenic. Review status: criteria provided, multiple submitters, no conflicts (2 of 4 stars). 4 submissions from 4 submitters: Pathogenic (1); Likely pathogenic (3). Last evaluated 2024-10-11.

Conditions:
Neural tube defects, folate-sensitive (NTDFS). Also called: NTD, FOLATE-SENSITIVE. Identifiers: Orphanet 823, MedGen C1866558, MONDO:0011120, OMIM 601634.
Methylcobalamin deficiency type cblE (HMAE). Also called: HOMOCYSTINURIA-MEGALOBLASTIC ANEMIA, cblE TYPE; VITAMIN B12-RESPONSIVE HOMOCYSTINURIA, cblE TYPE; HOMOCYSTINURIA-MEGALOBLASTIC ANEMIA, cblE COMPLEMENTATION TYPE. Identifiers: Orphanet 2169, Orphanet 622, MedGen C1856057, MONDO:0009354, OMIM 236270.

Allele frequency attached by ClinVar (database versions not stated): gnomAD 0.00001; TOPMed 0.00001.
gnomAD v4.1: 1 of 1,614,044 alleles (0.000062%); highest among the groups gnomAD compares: Admixed American, 0.0017%; no homozygotes.

Submissions (4):

Natera, Inc.
Classification: Likely pathogenic for CblE complementation type homocystinuria-megaloblastic anemia due to defect in cobalamin metabolism. Last evaluated: 2024-10-11. Review status: criteria provided, single submitter. Criteria: Natera Variant Classification Schema (03/2026). Collection method: clinical testing. Allele origin: germline.
Comment: The c.1780A>T variant in MTRR is a nonsense variant predicted to introduce a stop codon at amino acid 594. This variant is expected to result in nonsense mediated decay, truncation, or a dysfunctional protein product. This variant is rare in the general population with a frequency below the threshold expected for the associated phenotype(s). Given the available evidence, this variant is classified as Likely Pathogenic.

Baylor Genetics
Classification: Likely pathogenic for Neural tube defects, folate-sensitive. Last evaluated: 2024-03-28. Review status: criteria provided, single submitter. Criteria: ACMG Guidelines, 2015. Collection method: clinical testing. Allele origin: unknown.

Labcorp Genetics (formerly Invitae), Labcorp
Classification: Pathogenic for Methylcobalamin deficiency type cblE. Last evaluated: 2023-05-15. Review status: criteria provided, single submitter. Criteria: Invitae Variant Classification Sherloc (09022015). Collection method: clinical testing. Allele origin: germline.
Comment: For these reasons, this variant has been classified as Pathogenic. ClinVar contains an entry for this variant (Variation ID: 523899). This variant has not been reported in the literature in individuals affected with MTRR-related conditions. This variant is not present in population databases (gnomAD no frequency). This sequence change creates a premature translational stop signal (p.Arg594*) in the MTRR gene. It is expected to result in an absent or disrupted protein product. Loss-of-function variants in MTRR are known to be pathogenic (PMID: 15714522).

GeneDx
Classification: Likely pathogenic. Last evaluated: 2018-04-27. Review status: criteria provided, single submitter. Criteria: GeneDx Variant Classification (06012015). Collection method: clinical testing. Allele origin: germline. Affected: yes.
Comment: The R594X variant in the MTRR gene has not been reported previously as a pathogenic variant nor as a benign variant, to our knowledge. This variant is predicted to cause loss of normal protein function either through protein truncation or nonsense-mediated mRNA decay. The R594X variant is not observed in large population cohorts (Lek et al., 2016). We interpret R594X as a likely pathogenic variant.

Literature cited by the submitters: PubMed 15714522 (cited by Labcorp Genetics (formerly Invitae), Labcorp).

NM_002454.3(MTRR):c.1780A>T (p.Arg594Ter)

Gene: MTRR (5-methyltetrahydrofolate-homocysteine methyltransferase reductase; plus strand). Cytogenetic location: 5p15.31.
Variant type: single nucleotide variant.
Coding change: c.1780A>T on transcript NM_002454.3 (MANE Select); coding-DNA position 1780, A replaced by T.
Protein change: p.Arg594Ter; replaces arginine 594 with a stop codon.
Molecular consequence: nonsense. On other transcripts: non-coding transcript variant (14).
Genome position (GRCh38, 1-based): chr5:7,897,075, A>T. VCF-style: chr5-7897075-A-T. GRCh37 (hg19) VCF-style: chr5-7897188-A-T.
Other names: c.1780A>T, p.Arg594Ter (NM_001364440.2, NM_001364441.2, NM_001364442.2 and 1 more transcripts); short protein forms R594*.
Identifiers: ClinVar variation 523899 (VCV000523899.12), dbSNP rs1293600145, ClinGen allele CA359159682.